The following is an entry in ClinVar:

ClinVar aggregate classification (germline): Pathogenic (1 of 4 stars; one submission).

Submission:

Labcorp Genetics (formerly Invitae), Labcorp
Classification: Pathogenic. Last evaluated: 2021-11-27. Review status: criteria provided, single submitter. Criteria: Invitae Variant Classification Sherloc (09022015). Collection method: clinical testing. Allele origin: germline.
Comment: For these reasons, this variant has been classified as Pathogenic. This sequence change creates a premature translational stop signal (p.Val933Argfs*60) in the CRB2 gene. It is expected to result in an absent or disrupted protein product. Loss-of-function variants in CRB2 are known to be pathogenic (PMID: 27942854, 30212996). The frequency data for this variant in the population databases is considered unreliable, as metrics indicate poor data quality at this position in the gnomAD database. This variant has not been reported in the literature in individuals affected with CRB2-related conditions.

Literature cited by the submitters: PubMed 27942854; PubMed 30212996.

NM_173689.7(CRB2):c.2795dup (p.Val933fs)

Gene: CRB2 (crumbs cell polarity complex component 2; plus strand). Cytogenetic location: 9q33.3.
Variant type: Duplication.
Coding change: c.2795dup on transcript NM_173689.7 (MANE Select); coding-DNA position 2795, one base duplicated (G; older notation c.2795dupG).
Protein change: p.Val933fs; shifts the reading frame from valine 933.
Molecular consequence: frameshift variant. On other transcripts: non-coding transcript variant (1).
Genome position (GRCh38, 1-based): chr9:123,373,326, G duplicated; the last of 6 consecutive G bases (chr9:123,373,321-123,373,326); duplicating any one gives the same sequence. VCF-style (leftmost placement, unchanged base first): chr9-123373320-C-CG. GRCh37 (hg19) VCF-style: chr9-126135599-C-CG.
Other names: short protein forms V933fs.
Identifiers: ClinVar variation 1453388 (VCV001453388.6), dbSNP rs1276377271, ClinGen allele CA590936290.